The following is an entry in ClinVar:

ClinVar aggregate classification (germline): Uncertain significance (1 of 4 stars; one submission).

Conditions:
Acrocallosal syndrome (ACLS). Also called: Schinzel syndrome 1; Absence of corpus callosum with unusual facial appearance, mental deficiency, duplication of the halluces and polydactyly; HALLUX DUPLICATION, POSTAXIAL POLYDACTYLY, AND ABSENCE OF CORPUS CALLOSUM. Identifiers: Orphanet 36, MedGen C0796147, MONDO:0008708, OMIM 200990.

Allele frequency attached by ClinVar (database versions not stated): gnomAD 0.00001; TOPMed 0.00002; gnomAD exomes 0.00005 and 0.00006; ExAC 0.00010.
gnomAD v4.1: 93 of 1,613,812 alleles (0.0058%); highest among the groups gnomAD compares: Non-Finnish European, 0.0069%; no homozygotes.

Submission:

Labcorp Genetics (formerly Invitae), Labcorp
Classification: Uncertain significance for Acrocallosal syndrome. Last evaluated: 2021-09-17. Review status: criteria provided, single submitter. Criteria: Invitae Variant Classification Sherloc (09022015). Collection method: clinical testing. Allele origin: germline.
Comment: This sequence change replaces glutamic acid with valine at codon 603 of the KIF7 protein (p.Glu603Val). The glutamic acid residue is weakly conserved and there is a moderate physicochemical difference between glutamic acid and valine. This variant is present in population databases (rs761922179, ExAC 0.02%). This variant has not been reported in the literature in individuals with KIF7-related conditions. Algorithms developed to predict the effect of missense changes on protein structure and function (SIFT, PolyPhen-2, Align-GVGD) all suggest that this variant is likely to be tolerated, but these predictions have not been confirmed by published functional studies and their clinical significance is uncertain. In summary, the available evidence is currently insufficient to determine the role of this variant in disease. Therefore, it has been classified as a Variant of Uncertain Significance.

NM_198525.3(KIF7):c.1808A>T (p.Glu603Val)

Gene: KIF7 (kinesin family member 7; minus strand). Cytogenetic location: 15q26.1.
Variant type: single nucleotide variant.
Coding change: c.1808A>T on transcript NM_198525.3 (MANE Select); coding-DNA position 1808, A replaced by T.
Protein change: p.Glu603Val; replaces glutamic acid 603 with valine.
Molecular consequence: missense variant.
Genome position (GRCh38, 1-based): chr15:89,646,007, T>A on the plus strand (A>T on the coding strand, the complement: KIF7 is on the minus strand). VCF-style: chr15-89646007-T-A. GRCh37 (hg19) VCF-style: chr15-90189238-T-A.
Other names: short protein forms E603V.
Identifiers: ClinVar variation 1416299 (VCV001416299.5), dbSNP rs761922179, ClinGen allele CA7728438.
Genomic context (GRCh38, chr15:89,646,007, plus strand): 5'-GAAGCAGCTGAAGAGCCACTTCCCAGCCTGTTCACCTCAGTCAGCAACTCAGCTCCAGCC[T>A]CCCTGCCATTTGTCACCTGCTAGGGGAGTGAGCCATTTCCCATCCCAAGTCATCATCCCT-3'
Protein context (NP_940927.2, residues 593-613): QRGEQVTNGR[Glu603Val]AGAELLTEVN